The following is an entry in ClinVar:

ClinVar aggregate classification (germline): Uncertain significance (1 of 4 stars; one submission).

Submission:

GeneDx
Classification: Uncertain significance. Last evaluated: 2023-02-08. Review status: criteria provided, single submitter. Criteria: GeneDx Variant Classification Process June 2021. Collection method: clinical testing. Allele origin: germline. Affected: yes.
Comment: Not observed at significant frequency in large population cohorts (gnomAD); Frameshift variant predicted to result in protein truncation or nonsense mediated decay in a gene or region of a gene for which loss of function is not a well-established mechanism of disease; Has not been previously published as pathogenic or benign to our knowledge

NM_181552.4(CUX1):c.2571del (p.Ser857fs)

Gene: CUX1 (cut like homeobox 1; plus strand). Cytogenetic location: 7q22.1.
Variant type: Deletion.
Coding change: c.2571del on transcript NM_181552.4 (MANE Select); coding-DNA position 2571, one base deleted (C; older notation c.2571delC).
Protein change: p.Ser857fs; shifts the reading frame from serine 857.
Molecular consequence: frameshift variant. On other transcripts: intron variant (5).
Genome position (GRCh38, 1-based): chr7:102,201,868, C deleted. VCF-style (leftmost placement, unchanged base first): chr7-102201867-GC-G. GRCh37 (hg19) VCF-style: chr7-101845147-GC-G.
Other names: c.2604del, p.Ser868fs (NM_001202543.2); c.1255+6265del (NM_001913.5); c.1249+6265del (NM_181500.4); c.1117+6265del (NM_001202545.3); c.1207+6265del (NM_001202544.3); c.1138+6265del (NM_001202546.3); short protein forms S857fs, S868fs.
Identifiers: ClinVar variation 2575759 (VCV002575759.1), dbSNP rs2485465454, ClinGen allele CA2580615958.